The following is an entry in ClinVar:

NM_001258392.3(CLPB):c.1777A>C (p.Lys593Gln)

Gene: CLPB (ClpB family mitochondrial disaggregase; minus strand). Cytogenetic location: 11q13.4.
Variant type: single nucleotide variant.
Coding change: c.1777A>C on transcript NM_001258392.3 (MANE Select); coding-DNA position 1777, A replaced by C.
Protein change: p.Lys593Gln; replaces lysine 593 with glutamine.
Molecular consequence: missense variant.
Genome position (GRCh38, 1-based): chr11:72,294,030, T>G on the plus strand (A>C on the coding strand, the complement: CLPB is on the minus strand). VCF-style: chr11-72294030-T-G. GRCh37 (hg19) VCF-style: chr11-72005074-T-G.
Other names: c.1690A>C, p.Lys564Gln (NM_001258393.3); c.1732A>C, p.Lys578Gln (NM_001258394.3); c.1867A>C, p.Lys623Gln (NM_030813.6); c.1867A>C (NM_030813.3); short protein forms K623Q, K578Q, K564Q, K593Q.
Identifiers: ClinVar variation 970532 (VCV000970532.12), dbSNP rs779976853, ClinGen allele CA6171047.

ClinVar aggregate classification (germline): Uncertain significance. Review status: criteria provided, multiple submitters, no conflicts (2 of 4 stars). 3 submissions from 3 submitters: Uncertain significance (3). Last evaluated 2026-07-07.

Conditions:
CLPB-related disorder. Also called: CLPB-related condition.
Inborn genetic diseases. Identifiers: MedGen C0950123, MeSH D030342.
3-methylglutaconic aciduria, type VIIB (MGCA7B). Also called: 3-methylglutaconic aciduria with cataracts, neurologic involvement and neutropenia; 3-methylglutaconic aciduria, type VII, with cataracts, neurologic involvement and neutropenia; CLPB Deficiency. Identifiers: Orphanet 445038, MedGen C5676893, MONDO:0014561, OMIM 616271.

Allele frequency attached by ClinVar (database versions not stated): gnomAD 0.00001; gnomAD exomes 0.00002 and 0.00004; TOPMed 0.00002; ExAC 0.00005.
gnomAD v4.1: 33 of 1,613,668 alleles (0.002%); highest among the groups gnomAD compares: Admixed American, 0.0017%; no homozygotes.

Submissions (3):

PreventionGenetics, part of Exact Sciences
Classification: Uncertain significance for CLPB-related condition. Last evaluated: 2026-07-07. Review status: criteria provided, single submitter. Criteria: ACMG Guidelines, 2015. Collection method: clinical testing. Allele origin: germline.
Comment: The CLPB c.1867A>C variant is predicted to result in the amino acid substitution p.Lys623Gln. To our knowledge, this variant has not been reported in the literature. This variant is reported in 0.080% of alleles in individuals of Ashkenazi Jewish descent in gnomAD. At this time, the clinical significance of this variant is uncertain due to the absence of conclusive functional and genetic evidence.

Labcorp Genetics (formerly Invitae), Labcorp
Classification: Uncertain significance for 3-methylglutaconic aciduria, type VIIB. Last evaluated: 2025-12-06. Review status: criteria provided, single submitter. Criteria: Invitae Variant Classification Sherloc (09022015). Collection method: clinical testing. Allele origin: germline.
Comment: This sequence change replaces lysine, which is basic and polar, with glutamine, which is neutral and polar, at codon 623 of the CLPB protein (p.Lys623Gln). This variant is present in population databases (rs779976853, gnomAD 0.07%). This variant has not been reported in the literature in individuals affected with CLPB-related conditions. ClinVar contains an entry for this variant (Variation ID: 970532). An algorithm developed to predict the effect of missense changes on protein structure and function (PolyPhen-2) suggests that this variant is likely to be disruptive. In summary, the available evidence is currently insufficient to determine the role of this variant in disease. Therefore, it has been classified as a Variant of Uncertain Significance.

Ambry Genetics
Classification: Uncertain significance for Inborn genetic diseases. Last evaluated: 2025-02-09. Review status: criteria provided, single submitter. Criteria: Ambry Variant Classification Scheme 2023. Collection method: clinical testing. Allele origin: germline.